The following is an entry in ClinVar:

NM_005220.3(DLX3):c.636A>G (p.Ser212=)

Gene: DLX3 (distal-less homeobox 3; minus strand). Cytogenetic location: 17q21.33.
Variant type: single nucleotide variant.
Coding change: c.636A>G on transcript NM_005220.3 (MANE Select); coding-DNA position 636, A replaced by G.
Protein change: p.Ser212=; no amino-acid change (serine 212 retained).
Molecular consequence: synonymous variant.
Genome position (GRCh38, 1-based): chr17:49,991,745, T>C on the plus strand (A>G on the coding strand, the complement: DLX3 is on the minus strand). VCF-style: chr17-49991745-T-C. GRCh37 (hg19) VCF-style: chr17-48069109-T-C.
Identifiers: ClinVar variation 888963 (VCV000888963.4), dbSNP rs759832786, ClinGen allele CA8640979.

ClinVar aggregate classification (germline): Likely benign (1 of 4 stars; one submission).

Conditions:
Hypomaturation-hypoplastic amelogenesis imperfecta with taurodontism. Also called: Amelogenesis imperfecta, type IV. Identifiers: Orphanet 100034, Orphanet 88661, MedGen C1863012, MONDO:0007093, OMIM 104510. Disease mechanism: loss of function.

Allele frequency attached by ClinVar (database versions not stated): gnomAD exomes 0.00001 and 0.00002; ExAC 0.00002.
gnomAD v4.1: 15 of 1,612,772 alleles (0.00093%); highest among the groups gnomAD compares: South Asian, 0.016%; no homozygotes.

Submission:

Illumina Laboratory Services, Illumina
Classification: Likely benign for Hypomaturation-hypoplastic amelogenesis imperfecta with taurodontism. Last evaluated: 2018-01-13. Review status: criteria provided, single submitter. Criteria: ICSL Variant Classification Criteria 13 December 2019. Collection method: clinical testing. Allele origin: germline.
Comment: This variant was observed in the ICSL laboratory as part of a predisposition screen in an ostensibly healthy population. It had not been previously curated by ICSL or reported in the Human Gene Mutation Database (HGMD: prior to June 1st, 2018), and was therefore a candidate for classification through an automated scoring system. Utilizing variant allele frequency, disease prevalence and penetrance estimates, and inheritance mode, an automated score was calculated to assess if this variant is too frequent to cause the disease. Based on the score and internal cut-off values, a variant classified as likely benign is not then subjected to further curation. The score for this variant resulted in a classification of likely benign for this disease.